The following is an entry in ClinVar:

NM_002055.5(GFAP):c.989G>C (p.Arg330Pro)

Gene: GFAP (glial fibrillary acidic protein; minus strand). Cytogenetic location: 17q21.31.
Variant type: single nucleotide variant.
Coding change: c.989G>C on transcript NM_002055.5 (MANE Select); coding-DNA position 989, G replaced by C.
Protein change: p.Arg330Pro; replaces arginine 330 with proline.
Molecular consequence: missense variant.
Genome position (GRCh38, 1-based): chr17:44,911,374, C>G on the plus strand (G>C on the coding strand, the complement: GFAP is on the minus strand). VCF-style: chr17-44911374-C-G. GRCh37 (hg19) VCF-style: chr17-42988742-C-G.
Other names: c.989G>C, p.Arg330Pro (NM_001131019.3, NM_001242376.3, NM_001363846.2); short protein forms R330P.
Identifiers: ClinVar variation 522797 (VCV000522797.4), dbSNP rs983143417, ClinGen allele CA399844164.

ClinVar aggregate classification (germline): Uncertain significance (1 of 4 stars; one submission).

Conditions:
Alexander disease (ALXDRD). Also called: Alexander's disease. Identifiers: Orphanet 58, MedGen C0270726, MONDO:0008752, OMIM 203450.

Submission:

Undiagnosed Diseases Network, NIH
Classification: Uncertain significance for Alexander disease. Last evaluated: 2016-04-04. Review status: criteria provided, single submitter. Criteria: ACMG Guidelines, 2015. Collection method: clinical testing. Allele origin: unknown. Inheritance: Autosomal dominant inheritance. Affected: yes. Observed: 1 variant allele, 1 heterozygote. Study: Undiagnosed Diseases Network (NIH), UDN.